The following is an entry in ClinVar:

ClinVar aggregate classification (germline): Benign/Likely benign. Review status: criteria provided, multiple submitters, no conflicts (2 of 4 stars). 3 submissions from 3 submitters: Benign (1); Likely benign (2). Last evaluated 2026-01-26.

Allele frequency attached by ClinVar (database versions not stated): 1000 Genomes Project 0.00120; 1000 Genomes Project 30x 0.00125; TOPMed 0.00298; gnomAD 0.00309 and 0.00314; ExAC 0.00343; ESP Exome Variant Server 0.00392.
gnomAD v4.1: 7,944 of 1,526,332 alleles (0.52%); highest among the groups gnomAD compares: Non-Finnish European, 0.65%; 25 homozygotes.

Submissions (3):

Labcorp Genetics (formerly Invitae), Labcorp
Classification: Benign. Last evaluated: 2026-01-26. Review status: criteria provided, single submitter. Criteria: Invitae Variant Classification Sherloc (09022015). Collection method: clinical testing. Allele origin: germline.

Blueprint Genetics
Classification: Likely benign. Last evaluated: 2024-11-26. Review status: criteria provided, single submitter. Criteria: ACMG Guidelines, 2015. Collection method: clinical testing. Allele origin: germline.

GeneDx
Classification: Likely benign. Last evaluated: 2017-11-02. Review status: criteria provided, single submitter. Criteria: GeneDx Variant Classification (06012015). Collection method: clinical testing. Allele origin: germline. Affected: yes.
Comment: This variant is considered likely benign or benign based on one or more of the following criteria: it is a conservative change, it occurs at a poorly conserved position in the protein, it is predicted to be benign by multiple in silico algorithms, and/or has population frequency not consistent with disease.

NM_002887.4(RARS1):c.1236+17G>A

Gene: RARS1 (arginyl-tRNA synthetase 1; plus strand). Cytogenetic location: 5q34.
Variant type: single nucleotide variant.
Coding change: c.1236+17G>A on transcript NM_002887.4 (MANE Select); 17 bases into the intron after coding-DNA position 1236, G replaced by A.
Molecular consequence: intron variant.
Genome position (GRCh38, 1-based): chr5:168,506,216, G>A. VCF-style: chr5-168506216-G-A. GRCh37 (hg19) VCF-style: chr5-167933221-G-A.
Identifiers: ClinVar variation 381176 (VCV000381176.10), dbSNP rs140119854, ClinGen allele CA3549849.